The following is an entry in ClinVar:

NM_001029896.2(WDR45):c.754C>T (p.Leu252Phe)

Gene: WDR45 (WD repeat domain 45; minus strand). Cytogenetic location: Xp11.23.
Variant type: single nucleotide variant.
Coding change: c.754C>T on transcript NM_001029896.2 (MANE Select); coding-DNA position 754, C replaced by T.
Protein change: p.Leu252Phe; replaces leucine 252 with phenylalanine.
Molecular consequence: missense variant.
Genome position (GRCh38, 1-based): chrX:49,075,437, G>A on the plus strand (C>T on the coding strand, the complement: WDR45 is on the minus strand). VCF-style: chrX-49075437-G-A. GRCh37 (hg19) VCF-style: chrX-48933096-G-A.
Other names: c.757C>T, p.Leu253Phe (NM_007075.4); short protein forms L252F, L253F.
Identifiers: ClinVar variation 3572600 (VCV003572600.1).

ClinVar aggregate classification (germline): Uncertain significance (1 of 4 stars; one submission).

Submission:

GeneDx
Classification: Uncertain significance. Last evaluated: 2024-07-11. Review status: criteria provided, single submitter. Criteria: GeneDx Variant Classification Process June 2021. Collection method: clinical testing. Allele origin: germline. Affected: yes.
Comment: Not observed at significant frequency in large population cohorts (gnomAD); In silico analysis supports that this missense variant has a deleterious effect on protein structure/function; Has not been previously published as pathogenic or benign to our knowledge